The following is an entry in ClinVar:

NM_000393.5(COL5A2):c.1563+217C>G

Gene: COL5A2 (collagen type V alpha 2 chain; minus strand). Cytogenetic location: 2q32.2.
Variant type: single nucleotide variant.
Coding change: c.1563+217C>G on transcript NM_000393.5 (MANE Select); 217 bases into the intron after coding-DNA position 1563, C replaced by G.
Molecular consequence: intron variant.
Genome position (GRCh38, 1-based): chr2:189,066,173, G>C on the plus strand (C>G on the coding strand, the complement: COL5A2 is on the minus strand). VCF-style: chr2-189066173-G-C. GRCh37 (hg19) VCF-style: chr2-189930899-G-C.
Identifiers: ClinVar variation 676059 (VCV000676059.1), dbSNP rs115184225, ClinGen allele CA62555255.

ClinVar aggregate classification (germline): Likely benign (1 of 4 stars; one submission).

Allele frequency attached by ClinVar (database versions not stated): gnomAD 0.00725 and 0.00790; TOPMed 0.00815; 1000 Genomes Project 0.00978; 1000 Genomes Project 30x 0.01031.
gnomAD v4.1: 1,096 of 152,300 alleles (0.72%); highest among the groups gnomAD compares: African/African-American, 2.5%; 11 homozygotes.

Submission:

GeneDx
Classification: Likely benign. Last evaluated: 2018-06-14. Review status: criteria provided, single submitter. Criteria: GeneDx Variant Classification (06012015). Collection method: clinical testing. Allele origin: germline. Affected: yes.
Comment: This variant is considered likely benign or benign based on one or more of the following criteria: it is a conservative change, it occurs at a poorly conserved position in the protein, it is predicted to be benign by multiple in silico algorithms, and/or has population frequency not consistent with disease.